The following is an entry in ClinVar:

ClinVar aggregate classification (germline): Uncertain significance (1 of 4 stars; one submission).

Submission:

GeneDx
Classification: Uncertain significance. Last evaluated: 2023-11-02. Review status: criteria provided, single submitter. Criteria: GeneDx Variant Classification Process June 2021. Collection method: clinical testing. Allele origin: germline. Affected: yes.
Comment: Not observed at significant frequency in large population cohorts (gnomAD); In silico analysis supports that this missense variant has a deleterious effect on protein structure/function; Has not been previously published as pathogenic or benign to our knowledge

NM_001190274.2(FBXO11):c.1228A>G (p.Asn410Asp)

Gene: FBXO11 (F-box protein 11; minus strand). Cytogenetic location: 2p16.3.
Variant type: single nucleotide variant.
Coding change: c.1228A>G on transcript NM_001190274.2 (MANE Select); coding-DNA position 1228, A replaced by G.
Protein change: p.Asn410Asp; replaces asparagine 410 with aspartic acid.
Molecular consequence: missense variant.
Genome position (GRCh38, 1-based): chr2:47,832,604, T>C on the plus strand (A>G on the coding strand, the complement: FBXO11 is on the minus strand). VCF-style: chr2-47832604-T-C. GRCh37 (hg19) VCF-style: chr2-48059743-T-C.
Other names: c.976A>G, p.Asn326Asp (NM_001374325.1, NM_025133.4); short protein forms N326D, N410D.
Identifiers: ClinVar variation 3363588 (VCV003363588.1).
Genomic context (GRCh38, chr2:47,832,604, plus strand): 5'-AAAAAAACCACACAAAATTAAAAAATACCTGTGCATGATCTGTTATATATAGTCCAACAT[T>C]TTCACAGTCACTGATGTTACAGTGCTTGATGGTGGGACATGCTCCTTGACCACTAACACA-3'
Protein context (NP_001177203.1, residues 400-420): IKHCNISDCE[Asn410Asp]VGLYITDHAQ